The following is an entry in ClinVar:

ClinVar aggregate classification (germline): Pathogenic. Review status: reviewed by expert panel (3 of 4 stars). 2 submissions from 2 submitters: Pathogenic (1). 1 of the submissions does not count toward it. Last evaluated 2016-10-18.

Conditions:
Breast-ovarian cancer, familial, susceptibility to, 1 (BROVCA1). Also called: BRCA1 Hereditary Breast and Ovarian Cancer; OVARIAN CANCER, SUSCEPTIBILITY TO. Identifiers: Orphanet 145, MedGen C2676676, MONDO:0011450, OMIM 604370. Disease mechanism: loss of function.

Submissions (2):

Evidence-based Network for the Interpretation of Germline Mutant Alleles (ENIGMA)
Classification: Pathogenic for Breast-ovarian cancer, familial, susceptibility to, 1. Last evaluated: 2016-10-18. Review status: reviewed by expert panel. Criteria: ENIGMA BRCA1/2 Classification Criteria (2015). Collection method: curation. Allele origin: germline.
Comment: Variant allele predicted to encode a truncated non-functional protein.

Consortium of Investigators of Modifiers of BRCA1/2 (CIMBA), c/o University of Cambridge
Classification: Pathogenic for Breast-ovarian cancer, familial, susceptibility to, 1. Last evaluated: 2015-10-02. Review status: criteria provided, single submitter. Criteria: CIMBA Mutation Classification guidelines May 2016. Collection method: clinical testing. Allele origin: germline. Not counted in ClinVar's aggregate classification.

NM_007294.4(BRCA1):c.4033G>T (p.Glu1345Ter)

Genes: BRCA1 (BRCA1 DNA repair associated; minus strand), LOC126862571 (BRD4-independent group 4 enhancer GRCh37_chr17:41243136-41244335; plus strand). Cytogenetic location: 17q21.31.
Variant type: single nucleotide variant.
Coding change: c.4033G>T on transcript NM_007294.4 (MANE Select); coding-DNA position 4033, G replaced by T.
Protein change: p.Glu1345Ter; replaces glutamic acid 1345 with a stop codon.
Molecular consequence: nonsense. On other transcripts: intron variant (135).
Genome position (GRCh38, 1-based): chr17:43,091,498, C>A on the plus strand (G>T on the coding strand, the complement: BRCA1 is on the minus strand). VCF-style: chr17-43091498-C-A. GRCh37 (hg19) VCF-style: chr17-41243515-C-A.
Other names: 4152G>T; c.3907G>T, p.Glu1303Ter (NM_001407940.1, NM_001407941.1, NM_001407649.1 and 11 more transcripts); c.3892G>T, p.Glu1298Ter (NM_001407942.1, NM_001407944.1, NM_001407945.1 and 29 more transcripts); c.3889G>T, p.Glu1297Ter (NM_001407943.1, NM_001407964.1, NM_001407740.1 and 20 more transcripts); c.3700G>T, p.Glu1234Ter (NM_001407946.1, NM_001407947.1, NM_001407948.1 and 6 more transcripts); c.3697G>T, p.Glu1233Ter (NM_001407954.1, NM_001407955.1, NM_001407956.1 and 1 more transcripts); c.3652G>T, p.Glu1218Ter (NM_001407959.1, NM_001407960.1, NM_001407963.1); c.3649G>T, p.Glu1217Ter (NM_001407962.1); and 42 more; short protein forms E1345*, E1298*, E1217*, E1274*, E1275*, E1278*, E1297*, E1344*.
Identifiers: ClinVar variation 266430 (VCV000266430.6), dbSNP rs886040188, ClinGen allele CA10589702.